The following is an entry in ClinVar:

NM_001197104.2(KMT2A):c.11716C>T (p.Arg3906Cys)

Genes: KMT2A (lysine methyltransferase 2A; plus strand), TTC36-AS1 (TTC36 and KMT2A antisense RNA 1; minus strand). Cytogenetic location: 11q23.3.
Variant type: single nucleotide variant.
Coding change: c.11716C>T on transcript NM_001197104.2 (MANE Select); coding-DNA position 11716, C replaced by T.
Protein change: p.Arg3906Cys; replaces arginine 3906 with cysteine.
Molecular consequence: missense variant.
Genome position (GRCh38, 1-based): chr11:118,521,969, C>T. VCF-style: chr11-118521969-C-T. GRCh37 (hg19) VCF-style: chr11-118392684-C-T.
Other names: c.11806C>T, p.Arg3936Cys (NM_001412597.1); c.11707C>T, p.Arg3903Cys (NM_005933.4); short protein forms R3903C, R3936C, R3906C.
Identifiers: ClinVar variation 3704422 (VCV003704422.2).
Genomic context (GRCh38, chr11:118,521,969, plus strand): 5'-TATATGTTCCGAATTGATGACTCAGAGGTAGTGGATGCCACCATGCATGGAAATGCTGCA[C>T]GCTTCATCAATCACTCGTGTGAGCCTAACTGCTATTCTCGGGTCATCAATATTGATGGGC-3'
Protein context (NP_001184033.1, residues 3896-3916): VDATMHGNAA[Arg3906Cys]FINHSCEPNC

ClinVar aggregate classification (germline): Uncertain significance (1 of 4 stars; one submission).

Submission:

Labcorp Genetics (formerly Invitae), Labcorp
Classification: Uncertain significance. Last evaluated: 2024-02-29. Review status: criteria provided, single submitter. Criteria: Invitae Variant Classification Sherloc (09022015). Collection method: clinical testing. Allele origin: germline.
Comment: This sequence change replaces arginine, which is basic and polar, with cysteine, which is neutral and slightly polar, at codon 3906 of the KMT2A protein (p.Arg3906Cys). This variant is not present in population databases (gnomAD no frequency). This missense change has been observed in individual(s) with Wiedemann–Steiner syndrome (PMID: 30305169). Advanced modeling of protein sequence and biophysical properties (such as structural, functional, and spatial information, amino acid conservation, physicochemical variation, residue mobility, and thermodynamic stability) performed at Invitae indicates that this missense variant is expected to disrupt KMT2A protein function with a positive predictive value of 80%. In summary, the available evidence is currently insufficient to determine the role of this variant in disease. Therefore, it has been classified as a Variant of Uncertain Significance.

Literature cited by the submitters: PubMed 30305169.